The following is an entry in ClinVar:

NM_000169.3(GLA):c.619T>C (p.Tyr207His)

Genes: GLA (galactosidase alpha; minus strand), RPL36A-HNRNPH2 (RPL36A-HNRNPH2 readthrough; plus strand). Cytogenetic location: Xq22.1.
Variant type: single nucleotide variant.
Coding change: c.619T>C on transcript NM_000169.3 (MANE Select); coding-DNA position 619, T replaced by C.
Protein change: p.Tyr207His; replaces tyrosine 207 with histidine.
Molecular consequence: missense variant. On other transcripts: non-coding transcript variant (2), intron variant (2).
Genome position (GRCh38, 1-based): chrX:101,400,686, A>G on the plus strand (T>C on the coding strand, the complement: GLA is on the minus strand). VCF-style: chrX-101400686-A-G. GRCh37 (hg19) VCF-style: chrX-100655674-A-G.
Other names: c.619T>C (NM_000169.2); c.742T>C, p.Tyr248His (NM_001406747.1); c.619T>C, p.Tyr207His (NM_001406748.1); c.300+5229A>G (NM_001199973.2); c.177+8864A>G (NM_001199974.2); short protein forms Y248H.
Identifiers: ClinVar variation 167141 (VCV000167141.33), dbSNP rs372416832, ClinGen allele CA021839.

ClinVar aggregate classification (germline): Conflicting classifications of pathogenicity. Review status: criteria provided, conflicting classifications (1 of 4 stars). 12 submissions from 12 submitters: Likely pathogenic (1); Uncertain significance (11). Last evaluated 2026-09-08.

Conditions:
GLA-related disorder. Also called: GLA-related condition.
Cardiovascular phenotype. Identifiers: MedGen CN230736.
Fabry disease. Also called: Fabry's disease; ALPHA-GALACTOSIDASE A DEFICIENCY; ANDERSON-FABRY DISEASE; CERAMIDE TRIHEXOSIDASE DEFICIENCY; GLA DEFICIENCY; HEREDITARY DYSTOPIC LIPIDOSIS. Identifiers: Orphanet 324, MedGen C0002986, MONDO:0010526, OMIM 301500, HP:0001071. Disease mechanism: loss of function, Fabry disease is due to inactivating mutations in the X-linked GLA gene resulting in deficiency of the enzyme Alpha Galactosidase-A..

Allele frequency attached by ClinVar (database versions not stated): gnomAD exomes 0.00003; ExAC 0.00005; ESP Exome Variant Server 0.00009; TOPMed 0.00009; gnomAD 0.00005.

Submissions 1 to 9 of 12:

Genomenon, Inc
Classification: Uncertain significance for Fabry disease. Last evaluated: 2026-09-08. Review status: criteria provided, single submitter. Criteria: Genomenon Sequence Variant Interpretation Standards - Updated. Collection method: curation. Allele origin: germline. Affected: no.
Comment: GLA p.Tyr207His (c.619T>C) is a missense variant that changes the amino acid at codon 207 from Tyrosine to Histidine. This variant has been reported in the published literature (PMID:27657681). This variant is located in a mutational hotspot and/or important functional domain. It is absent or not present at a significant frequency in gnomAD. In silico models predict that this variant is possibly or probably damaging. In conclusion, we classify GLA p.Tyr207His (c.619T>C) as a variant of uncertain significance.

PreventionGenetics, part of Exact Sciences
Classification: Uncertain significance for GLA-related condition. Last evaluated: 2026-06-01. Review status: criteria provided, single submitter. Criteria: ACMG Guidelines, 2015. Collection method: clinical testing. Allele origin: germline.
Comment: The GLA c.619T>C variant is predicted to result in the amino acid substitution p.Tyr207His. To our knowledge, this variant has not been reported in the literature. This variant is reported in 0.046% of alleles in individuals of African descent in gnomAD. Other variants at this codon p.Tyr207Ser and p.Tyr207Cys have been reported in individuals with Fabry disease (Shabbeer et al. 2002. PubMed ID: 12175777; Benjamin et al. 2009. PubMed ID: 19387866) and functional studies show significantly reduced a-Galactosidase activity (Wu et al. 2011. PubMed ID: 21598360; Benjamin et al. 2009. PubMed ID: 19387866). However, in contrast to p.Tyr207His, those two alternate variants have not been reported in gnomAD. At this time, the clinical significance of this variant is uncertain due to the absence of conclusive functional and genetic evidence.

Labcorp Genetics (formerly Invitae), Labcorp
Classification: Uncertain significance for Fabry disease. Last evaluated: 2025-12-22. Review status: criteria provided, single submitter. Criteria: Invitae Variant Classification Sherloc (09022015). Collection method: clinical testing. Allele origin: germline.
Comment: This sequence change replaces tyrosine, which is neutral and polar, with histidine, which is basic and polar, at codon 207 of the GLA protein (p.Tyr207His). This variant is present in population databases (rs372416832, gnomAD 0.05%). This variant has not been reported in the literature in individuals affected with GLA-related conditions. ClinVar contains an entry for this variant (Variation ID: 167141). Invitae Evidence Modeling of protein sequence and biophysical properties (such as structural, functional, and spatial information, amino acid conservation, physicochemical variation, residue mobility, and thermodynamic stability) indicates that this missense variant is expected to disrupt GLA protein function with a positive predictive value of 80%. Experimental studies have shown that this missense change affects GLA function (PMID: 27657681). This variant disrupts the p.Tyr207 amino acid residue in GLA. Other variant(s) that disrupt this residue have been determined to be pathogenic (PMID: 19387866, 21598360). This suggests that this residue is clinically significant, and that variants that disrupt this residue are likely to be disease-causing. In summary, the available evidence is currently insufficient to determine the role of this variant in disease. Therefore, it has been classified as a Variant of Uncertain Significance.

Revvity Omics, Revvity
Classification: Uncertain significance. Last evaluated: 2024-06-20. Review status: criteria provided, single submitter. Criteria: ACMG Guidelines, 2015. Collection method: clinical testing. Allele origin: germline.

All of Us Research Program, National Institutes of Health
Classification: Uncertain significance for Fabry disease. Last evaluated: 2024-05-14. Review status: criteria provided, single submitter. Criteria: ACMG Guidelines, 2015. Collection method: clinical testing. Allele origin: germline. Inheritance: X-linked inheritance. Observed: 6 variant alleles, 6 heterozygotes.
Comment: This missense variant replaces tyrosine with histidine at codon 207 of the GLA protein. Computational prediction tools indicate that this variant has a deleterious impact on protein structure and function. To our knowledge, functional studies have not been reported for this variant. This variant has not been reported in individuals affected with GLA-related disorders in the literature. This variant has been identified in 6/180986 chromosomes in the general population by the Genome Aggregation Database (gnomAD). A different variant affecting the same codon, p.Tyr207Ser, is considered to be disease-causing (ClinVar variation ID: 585078), suggesting that tyrosine at this position is important for GLA protein function. The available evidence is insufficient to determine the role of this variant in disease conclusively. Therefore, this variant is classified as a Variant of Uncertain Significance.

This study involves interpretation of variants in research participants for the purpose of population health screening. Participant phenotype was not available at the time of variant classification. Additional details can be found in publication PMID: 35346344, PMCID: PMC8962531

Color Diagnostics, LLC DBA Color Health
Classification: Uncertain significance for Fabry disease. Last evaluated: 2024-04-25. Review status: criteria provided, single submitter. Criteria: ACMG Guidelines, 2015. Collection method: clinical testing. Allele origin: germline.
Comment: This missense variant replaces tyrosine with histidine at codon 207 of the GLA protein. Computational prediction tools indicate that this variant has a deleterious impact on protein structure and function. To our knowledge, functional studies have not been reported for this variant. This variant has not been reported in individuals affected with GLA-related disorders in the literature. This variant has been identified in 6/180986 chromosomes in the general population by the Genome Aggregation Database (gnomAD). A different variant affecting the same codon, p.Tyr207Ser, is considered to be disease-causing (ClinVar variation ID: 585078), suggesting that tyrosine at this position is important for GLA protein function. The available evidence is insufficient to determine the role of this variant in disease conclusively. Therefore, this variant is classified as a Variant of Uncertain Significance.

Women's Health and Genetics/Laboratory Corporation of America, LabCorp
Classification: Uncertain significance. Last evaluated: 2024-04-24. Review status: criteria provided, single submitter. Criteria: LabCorp Variant Classification Summary - May 2015. Collection method: clinical testing. Allele origin: germline.
Comment: Variant summary: GLA c.619T>C (p.Tyr207His) results in a conservative amino acid change in the encoded protein sequence. Four of five in-silico tools predict a damaging effect of the variant on protein function. The variant allele was found at a frequency of 3.3e-05 in 180986 control chromosomes, including 4 hemizygotes. The available data on variant occurrences in the general population are insufficient to allow any conclusion about variant significance. To our knowledge, no occurrence of c.619T>C in individuals affected with Fabry Disease and no experimental evidence demonstrating its impact on protein function have been reported. Other missense variants at this position have been observed in individuals with Fabry disease (p.Tyr207Ser, p.Tyr207Cys) however this evidence was not sufficient to impact classification of this variant. ClinVar contains an entry for this variant (Variation ID: 167141). Based on the evidence outlined above, the variant was classified as uncertain significance.

Ambry Genetics
Classification: Uncertain significance for Cardiovascular phenotype. Last evaluated: 2021-07-19. Review status: criteria provided, single submitter. Criteria: Ambry Variant Classification Scheme 2023. Collection method: clinical testing. Allele origin: germline.
Comment: The p.Y207H variant (also known as c.619T>C), located in coding exon 4 of the GLA gene, results from a T to C substitution at nucleotide position 619. The tyrosine at codon 207 is replaced by histidine, an amino acid with similar properties. Other alterations affecting the same amino acid, p.Y207C (c.620A>G) and p.Y207S (c.620A>C), have been reported in association with Fabry disease (Shabbeer J et al. Mol. Genet. Metab., 2002 May;76:23-30; Benjamin ER et al. J. Inherit. Metab. Dis., 2009 Jun;32:424-40). Based on data from gnomAD, the C allele has an overall frequency of approximately <0.01% (6/180986), including 4 hemizygotes. This amino acid position is highly conserved in available vertebrate species. In addition, this alteration is predicted to be deleterious by in silico analysis. Since supporting evidence is limited at this time, the clinical significance of this alteration remains unclear.

Genome-Nilou Lab
Classification: Uncertain significance for Fabry disease. Last evaluated: 2021-07-15. Review status: criteria provided, single submitter. Criteria: ACMG Guidelines, 2015. Collection method: clinical testing. Allele origin: germline. Affected: no.